The following is an entry in ClinVar:

NM_030777.4(SLC2A10):c.82G>A (p.Val28Ile)

Gene: SLC2A10 (solute carrier family 2 member 10; plus strand). Cytogenetic location: 20q13.12.
Variant type: single nucleotide variant.
Coding change: c.82G>A on transcript NM_030777.4 (MANE Select); coding-DNA position 82, G replaced by A.
Protein change: p.Val28Ile; replaces valine 28 with isoleucine.
Molecular consequence: missense variant.
Genome position (GRCh38, 1-based): chr20:46,725,118, G>A. VCF-style: chr20-46725118-G-A. GRCh37 (hg19) VCF-style: chr20-45353757-G-A.
Other names: short protein forms V28I.
Identifiers: ClinVar variation 2909249 (VCV002909249.3), dbSNP rs2515586013, ClinGen allele CA409266306.

ClinVar aggregate classification (germline): Uncertain significance (1 of 4 stars; one submission).

Conditions:
Arterial tortuosity syndrome (ATORS). Identifiers: Orphanet 3342, MedGen C1859726, MONDO:0008818, OMIM 208050.

Allele frequency attached by ClinVar (database versions not stated): gnomAD exomes below 0.00001.
gnomAD v4.1: 1 of 1,614,234 alleles (0.000062%); highest among the groups gnomAD compares: Middle Eastern, 0.016%; no homozygotes.

Submission:

Labcorp Genetics (formerly Invitae), Labcorp
Classification: Uncertain significance for Arterial tortuosity syndrome. Last evaluated: 2022-10-30. Review status: criteria provided, single submitter. Criteria: Invitae Variant Classification Sherloc (09022015). Collection method: clinical testing. Allele origin: germline.
Comment: In summary, the available evidence is currently insufficient to determine the role of this variant in disease. Therefore, it has been classified as a Variant of Uncertain Significance. Advanced modeling of protein sequence and biophysical properties (such as structural, functional, and spatial information, amino acid conservation, physicochemical variation, residue mobility, and thermodynamic stability) performed at Invitae indicates that this missense variant is not expected to disrupt SLC2A10 protein function. This variant has not been reported in the literature in individuals affected with SLC2A10-related conditions. This variant is not present in population databases (gnomAD no frequency). This sequence change replaces valine, which is neutral and non-polar, with isoleucine, which is neutral and non-polar, at codon 28 of the SLC2A10 protein (p.Val28Ile).